The following is an entry in ClinVar:

NM_004006.3(DMD):c.1072G>A (p.Ala358Thr)

Gene: DMD (dystrophin; minus strand). Cytogenetic location: Xp21.1.
Variant type: single nucleotide variant.
Coding change: c.1072G>A on transcript NM_004006.3 (MANE Select); coding-DNA position 1072, G replaced by A.
Protein change: p.Ala358Thr; replaces alanine 358 with threonine.
Molecular consequence: missense variant.
Genome position (GRCh38, 1-based): chrX:32,645,041, C>T on the plus strand (G>A on the coding strand, the complement: DMD is on the minus strand). VCF-style: chrX-32645041-C-T. GRCh37 (hg19) VCF-style: chrX-32663158-C-T.
Other names: c.1048G>A, p.Ala350Thr (NM_000109.4); c.1060G>A, p.Ala354Thr (NM_004009.3); c.703G>A, p.Ala235Thr (NM_004010.3); short protein forms A235T, A350T, A354T, A358T.
Identifiers: ClinVar variation 4800990 (VCV004800990.1).

ClinVar aggregate classification (germline): Uncertain significance (1 of 4 stars; one submission).

Conditions:
Duchenne muscular dystrophy (DMD). Also called: Duchenne Muscular Dystrophy (DMD); MUSCULAR DYSTROPHY, PSEUDOHYPERTROPHIC PROGRESSIVE, DUCHENNE TYPE. Identifiers: Orphanet 98896, MedGen C0013264, MONDO:0010679, OMIM 310200.

gnomAD v4.1: 3 of 1,211,629 alleles (0.00025%); highest among the groups gnomAD compares: Non-Finnish European, 0.00034%; no homozygotes.

Submission:

Labcorp Genetics (formerly Invitae), Labcorp
Classification: Uncertain significance for Duchenne muscular dystrophy. Last evaluated: 2025-08-03. Review status: criteria provided, single submitter. Criteria: Invitae Variant Classification Sherloc (09022015). Collection method: clinical testing. Allele origin: germline.
Comment: This sequence change replaces alanine, which is neutral and non-polar, with threonine, which is neutral and polar, at codon 358 of the DMD protein (p.Ala358Thr). This variant is not present in population databases (gnomAD no frequency). This variant has not been reported in the literature in individuals affected with DMD-related conditions. Invitae Evidence Modeling of protein sequence and biophysical properties (such as structural, functional, and spatial information, amino acid conservation, physicochemical variation, residue mobility, and thermodynamic stability) indicates that this missense variant is not expected to disrupt DMD protein function with a negative predictive value of 95%. In summary, the available evidence is currently insufficient to determine the role of this variant in disease. Therefore, it has been classified as a Variant of Uncertain Significance.